The following is an entry in ClinVar:

ClinVar aggregate classification (germline): Uncertain significance (1 of 4 stars; one submission).

Submission:

GeneDx
Classification: Uncertain significance. Last evaluated: 2022-11-14. Review status: criteria provided, single submitter. Criteria: GeneDx Variant Classification Process June 2021. Collection method: clinical testing. Allele origin: germline. Affected: yes.
Comment: Not observed at significant frequency in large population cohorts (gnomAD); In silico analysis supports that this missense variant does not alter protein structure/function; Has not been previously published as pathogenic or benign to our knowledge

NM_015378.4(VPS13D):c.7283C>G (p.Pro2428Arg)

Gene: VPS13D (vacuolar protein sorting 13 homolog D; plus strand). Cytogenetic location: 1p36.22.
Variant type: single nucleotide variant.
Coding change: c.7283C>G on transcript NM_015378.4 (MANE Select); coding-DNA position 7283, C replaced by G.
Protein change: p.Pro2428Arg; replaces proline 2428 with arginine.
Molecular consequence: missense variant.
Genome position (GRCh38, 1-based): chr1:12,318,206, C>G. VCF-style: chr1-12318206-C-G. GRCh37 (hg19) VCF-style: chr1-12378263-C-G.
Other names: c.7283C>G, p.Pro2428Arg (NM_018156.4); short protein forms P2428R.
Identifiers: ClinVar variation 2501838 (VCV002501838.1), dbSNP rs2524215644, ClinGen allele CA338493881.
Genomic context (GRCh38, chr1:12,318,206, plus strand): 5'-TGTTAGTCCATGATTTTCTCCACACTCCCAGTGATATTAAGAAACAAAATCATGTTACTC[C>G]TTCTCGCCACCGTAACTCTAGCAGCGAATCTGCTATAGTTCCCAAAACTGTGAAGAGTGG-3'
Protein context (NP_056193.2, residues 2418-2438): SDIKKQNHVT[Pro2428Arg]SRHRNSSSES